The following is an entry in ClinVar:

ClinVar aggregate classification (germline): Pathogenic (1 of 4 stars; one submission).

Conditions:
Fabry disease. Also called: ALPHA-GALACTOSIDASE A DEFICIENCY; ANDERSON-FABRY DISEASE; CERAMIDE TRIHEXOSIDASE DEFICIENCY; GLA DEFICIENCY; HEREDITARY DYSTOPIC LIPIDOSIS; Angiokeratoma corporis diffusum. Identifiers: Orphanet 324, MedGen C0002986, MONDO:0010526, OMIM 301500, HP:0001071. Disease mechanism: Fabry disease is due to inactivating mutations in the X-linked GLA gene resulting in deficiency of the enzyme Alpha Galactosidase-A., loss of function.

Submission:

Genomenon, Inc
Classification: Pathogenic for Fabry disease. Last evaluated: 2026-09-08. Review status: criteria provided, single submitter. Criteria: Genomenon Sequence Variant Interpretation Standards - Updated. Collection method: curation. Allele origin: germline. Affected: yes.
Comment: GLA p.Cys63Ser (c.187T>A) is a missense variant that changes the amino acid at codon 63 from Cysteine to Serine. This variant has been observed in at least one proband with clinical features consistent with Fabry disease (PMID:24830310). At least one functional study has demonstrated a substantial alteration in protein function relative to the wild-type (PMID:27657681;26044846). This variant is located in a mutational hotspot and/or important functional domain. It is absent or not present at a significant frequency in gnomAD. In silico models predict that this variant is possibly or probably damaging. In conclusion, we classify GLA p.Cys63Ser (c.187T>A) as a pathogenic variant.

Literature cited by the submitters: PubMed 24830310; PubMed 27657681; PubMed 26044846.

NM_000169.3(GLA):c.187T>A (p.Cys63Ser)

Genes: GLA (galactosidase alpha; minus strand), RPL36A-HNRNPH2 (RPL36A-HNRNPH2 readthrough; plus strand). Cytogenetic location: Xq22.1.
Variant type: single nucleotide variant.
Coding change: c.187T>A on transcript NM_000169.3 (MANE Select); coding-DNA position 187, T replaced by A.
Protein change: p.Cys63Ser; replaces cysteine 63 with serine.
Molecular consequence: missense variant. On other transcripts: non-coding transcript variant (3), intron variant (2).
Genome position (GRCh38, 1-based): chrX:101,407,717, A>T on the plus strand (T>A on the coding strand, the complement: GLA is on the minus strand). VCF-style: chrX-101407717-A-T. GRCh37 (hg19) VCF-style: chrX-100662705-A-T.
Other names: c.187T>A, p.Cys63Ser (NM_001406747.1, NM_001406748.1, NM_001406749.1); c.301-4219A>T (NM_001199973.2); c.178-4219A>T (NM_001199974.2); short protein forms C63S.
Identifiers: ClinVar variation 4087295 (VCV004087295.2).